The following is an entry in ClinVar:

ClinVar aggregate classification (germline): Uncertain significance (1 of 4 stars; one submission).

Conditions:
Hereditary cancer-predisposing syndrome. Also called: Hereditary Cancer Syndrome; Hereditary neoplastic syndrome; Neoplastic Syndromes, Hereditary; Tumor predisposition. Identifiers: Orphanet 140162, MedGen C0027672, MeSH D009386, MONDO:0015356.

Submission:

Ambry Genetics
Classification: Uncertain significance for Hereditary cancer-predisposing syndrome. Last evaluated: 2025-07-17. Review status: criteria provided, single submitter. Criteria: Ambry Variant Classification Scheme 2023. Collection method: clinical testing. Allele origin: germline.
Comment: The p.K65I variant (also known as c.194A>T), located in coding exon 3 of the EPCAM gene, results from an A to T substitution at nucleotide position 194. The lysine at codon 65 is replaced by isoleucine, an amino acid with dissimilar properties. This amino acid position is conserved. In addition, the in silico prediction for this alteration is inconclusive. Based on the available evidence, the clinical significance of this variant remains unclear.

NM_002354.3(EPCAM):c.194A>T (p.Lys65Ile)

Gene: EPCAM (epithelial cell adhesion molecule; plus strand). Cytogenetic location: 2p21.
Variant type: single nucleotide variant.
Coding change: c.194A>T on transcript NM_002354.3 (MANE Select); coding-DNA position 194, A replaced by T.
Protein change: p.Lys65Ile; replaces lysine 65 with isoleucine.
Molecular consequence: missense variant.
Genome position (GRCh38, 1-based): chr2:47,373,817, A>T. VCF-style: chr2-47373817-A-T. GRCh37 (hg19) VCF-style: chr2-47600956-A-T.
Other names: short protein forms K65I.
Identifiers: ClinVar variation 4249683 (VCV004249683.1).